The following is an entry in ClinVar:

NM_000384.3(APOB):c.2063T>C (p.Ile688Thr)

Gene: APOB (apolipoprotein B; minus strand). Cytogenetic location: 2p24.1.
Variant type: single nucleotide variant.
Coding change: c.2063T>C on transcript NM_000384.3 (MANE Select); coding-DNA position 2063, T replaced by C.
Protein change: p.Ile688Thr; replaces isoleucine 688 with threonine.
Molecular consequence: missense variant.
Genome position (GRCh38, 1-based): chr2:21,027,832, A>G on the plus strand (T>C on the coding strand, the complement: APOB is on the minus strand). VCF-style: chr2-21027832-A-G. GRCh37 (hg19) VCF-style: chr2-21250704-A-G.
Other names: short protein forms I688T.
Identifiers: ClinVar variation 1785262 (VCV001785262.2), dbSNP rs1284948840, ClinGen allele CA346013445.

ClinVar aggregate classification (germline): Uncertain significance (1 of 4 stars; one submission).

Conditions:
Cardiovascular phenotype. Identifiers: MedGen CN230736.

Allele frequency attached by ClinVar (database versions not stated): gnomAD exomes below 0.00001; TOPMed below 0.00001; gnomAD 0.00001.
gnomAD v4.1: 5 of 1,608,944 alleles (0.00031%); highest among the groups gnomAD compares: Non-Finnish European, 0.00043%; no homozygotes.

Submission:

Ambry Genetics
Classification: Uncertain significance for Cardiovascular phenotype. Last evaluated: 2021-07-22. Review status: criteria provided, single submitter. Criteria: Ambry Variant Classification Scheme 2023. Collection method: clinical testing. Allele origin: germline.
Comment: The p.I688T variant (also known as c.2063T>C), located in coding exon 14 of the APOB gene, results from a T to C substitution at nucleotide position 2063. The isoleucine at codon 688 is replaced by threonine, an amino acid with similar properties. This amino acid position is conserved. In addition, this alteration is predicted to be tolerated by in silico analysis. Since supporting evidence is limited at this time, the clinical significance of this alteration remains unclear.